The following is an entry in ClinVar:

ClinVar aggregate classification (germline): Uncertain significance (1 of 4 stars; one submission).

Allele frequency attached by ClinVar (database versions not stated): gnomAD exomes below 0.00001.
gnomAD v4.1: 2 of 1,614,180 alleles (0.00012%); highest among the groups gnomAD compares: Non-Finnish European, 0.00017%; no homozygotes.

Submission:

Labcorp Genetics (formerly Invitae), Labcorp
Classification: Uncertain significance. Last evaluated: 2020-11-05. Review status: criteria provided, single submitter. Criteria: Invitae Variant Classification Sherloc (09022015). Collection method: clinical testing. Allele origin: germline.
Comment: This sequence change replaces serine with cysteine at codon 825 of the ADCY10 protein (p.Ser825Cys). The serine residue is moderately conserved and there is a moderate physicochemical difference between serine and cysteine. This variant is not present in population databases (ExAC no frequency). This variant has not been reported in the literature in individuals with ADCY10-related conditions. Algorithms developed to predict the effect of missense changes on protein structure and function are either unavailable or do not agree on the potential impact of this missense change (SIFT: "Deleterious"; PolyPhen-2: "Possibly Damaging"; Align-GVGD: "Class C0"). In summary, the available evidence is currently insufficient to determine the role of this variant in disease. Therefore, it has been classified as a Variant of Uncertain Significance.

NM_018417.6(ADCY10):c.2474C>G (p.Ser825Cys)

Gene: ADCY10 (adenylate cyclase 10; minus strand). Cytogenetic location: 1q24.2.
Variant type: single nucleotide variant.
Coding change: c.2474C>G on transcript NM_018417.6 (MANE Select); coding-DNA position 2474, C replaced by G.
Protein change: p.Ser825Cys; replaces serine 825 with cysteine.
Molecular consequence: missense variant.
Genome position (GRCh38, 1-based): chr1:167,846,227, G>C on the plus strand (C>G on the coding strand, the complement: ADCY10 is on the minus strand). VCF-style: chr1-167846227-G-C. GRCh37 (hg19) VCF-style: chr1-167815465-G-C.
Other names: c.2015C>G, p.Ser672Cys (NM_001167749.3); c.2198C>G, p.Ser733Cys (NM_001297772.2); short protein forms S672C, S825C, S733C.
Identifiers: ClinVar variation 1481767 (VCV001481767.8), dbSNP rs1558179811, ClinGen allele CA343084340.